The following is an entry in ClinVar:

ClinVar aggregate classification (germline): Uncertain significance (1 of 4 stars; one submission).

Conditions:
Cardiovascular phenotype. Identifiers: MedGen CN230736.

gnomAD v4.1: 7 of 1,549,668 alleles (0.00045%); highest among the groups gnomAD compares: Non-Finnish European, 0.00052%; no homozygotes.

Submission:

Ambry Genetics
Classification: Uncertain significance for Cardiovascular phenotype. Last evaluated: 2026-01-26. Review status: criteria provided, single submitter. Criteria: Ambry Variant Classification Scheme 2023. Collection method: clinical testing. Allele origin: germline.
Comment: The c.3979-3C>G intronic alteration consists of a C to G substitution 3 nucleotides before exon 29 (coding exon 27) of the MYH6 gene. Based on data from gnomAD, the G allele has an overall frequency of 0.001% (1/175148) total alleles studied. The highest observed frequency was 0.001% (1/80162) of European (non-Finnish) alleles. This nucleotide position is well conserved in available vertebrate species. In silico splice site analysis predicts that this alteration may weaken the native splice acceptor site and may result in the creation or strengthening of a novel splice acceptor site. Based on insufficient or conflicting evidence, the clinical significance of this alteration remains unclear.

NM_002471.4(MYH6):c.3979-3C>G

Gene: MYH6 (myosin heavy chain 6; minus strand). Cytogenetic location: 14q11.2.
Variant type: single nucleotide variant.
Coding change: c.3979-3C>G on transcript NM_002471.4 (MANE Select); 3 bases into the intron before coding-DNA position 3979, C replaced by G.
Molecular consequence: intron variant.
Genome position (GRCh38, 1-based): chr14:23,389,058, G>C on the plus strand (C>G on the coding strand, the complement: MYH6 is on the minus strand). VCF-style: chr14-23389058-G-C. GRCh37 (hg19) VCF-style: chr14-23858267-G-C.
Identifiers: ClinVar variation 4839589 (VCV004839589.1).